The following is an entry in ClinVar:

ClinVar aggregate classification (germline): Uncertain significance (1 of 4 stars; one submission).

Conditions:
Developmental and epileptic encephalopathy, 84. Also called: EPILEPTIC ENCEPHALOPATHY, EARLY IFANTILE, 84. Identifiers: MedGen C5394081, MONDO:0032918, OMIM 618792.

gnomAD v4.1: 2 of 1,606,626 alleles (0.00012%); highest among the groups gnomAD compares: Non-Finnish European, 0.00017%; no homozygotes.

Submission:

Laboratorio de Genetica e Diagnostico Molecular, Hospital Israelita Albert Einstein
Classification: Uncertain significance for Developmental and epileptic encephalopathy, 84. Last evaluated: 2025-08-13. Review status: criteria provided, single submitter. Criteria: ACMG Guidelines, 2015. Collection method: clinical testing. Allele origin: germline. Affected: yes.
Comment: ACMG classification criteria: PM2 supporting, PP3 supporting

NM_003359.4(UGDH):c.852G>T (p.Leu284Phe)

Gene: UGDH (UDP-glucose 6-dehydrogenase; minus strand). Cytogenetic location: 4p14.
Variant type: single nucleotide variant.
Coding change: c.852G>T on transcript NM_003359.4 (MANE Select); coding-DNA position 852, G replaced by T.
Protein change: p.Leu284Phe; replaces leucine 284 with phenylalanine.
Molecular consequence: missense variant.
Genome position (GRCh38, 1-based): chr4:39,508,620, C>A on the plus strand (G>T on the coding strand, the complement: UGDH is on the minus strand). VCF-style: chr4-39508620-C-A. GRCh37 (hg19) VCF-style: chr4-39510240-C-A.
Other names: c.651G>T, p.Leu217Phe (NM_001184700.2); c.561G>T, p.Leu187Phe (NM_001184701.2); short protein forms L187F, L217F, L284F.
Identifiers: ClinVar variation 4846956 (VCV004846956.1).